The following is an entry in ClinVar:

NM_144966.5(FREM1):c.*1299A>G

Gene: FREM1 (FRAS1 related extracellular matrix 1; minus strand). Cytogenetic location: 9p22.3.
Variant type: single nucleotide variant.
Coding change: c.*1299A>G on transcript NM_144966.5; 1299 bases downstream of the stop codon, A replaced by G.
Genome position (GRCh38, 1-based): chr9:14,736,097, T>C on the plus strand (A>G on the coding strand, the complement: FREM1 is on the minus strand). VCF-style: chr9-14736097-T-C. GRCh37 (hg19) VCF-style: chr9-14736095-T-C.
Identifiers: ClinVar variation 366077 (VCV000366077.7), dbSNP rs149242359, ClinGen allele CA10626990.

ClinVar aggregate classification (germline): Benign (1 of 4 stars; one submission).

Conditions:
Oculotrichoanal syndrome (MOTA). Also called: MARLES SYNDROME; Manitoba Oculotrichoanal (MOTA) Syndrome. Identifiers: Orphanet 2717, MedGen C1855425, MONDO:0009560, OMIM 248450.

Allele frequency attached by ClinVar (database versions not stated): gnomAD 0.00036 and 0.00053; TOPMed 0.00073; 1000 Genomes Project 30x 0.00390; 1000 Genomes Project 0.00379.

Submission:

Illumina Laboratory Services, Illumina
Classification: Benign for Oculotrichoanal syndrome. Last evaluated: 2018-01-13. Review status: criteria provided, single submitter. Criteria: ICSL Variant Classification Criteria 13 December 2019. Collection method: clinical testing. Allele origin: germline.
Comment: This variant was observed in the ICSL laboratory as part of a predisposition screen in an ostensibly healthy population. It had not been previously curated by ICSL or reported in the Human Gene Mutation Database (HGMD: prior to June 1st, 2018), and was therefore a candidate for classification through an automated scoring system. Utilizing variant allele frequency, disease prevalence and penetrance estimates, and inheritance mode, an automated score was calculated to assess if this variant is too frequent to cause the disease. Based on the score and internal cut-off values, a variant classified as benign is not then subjected to further curation. The score for this variant resulted in a classification of benign for this disease.